The following is an entry in ClinVar:

NM_001111125.3(IQSEC2):c.340G>A (p.Val114Met)

Gene: IQSEC2 (IQ motif and Sec7 domain ArfGEF 2; minus strand). Cytogenetic location: Xp11.22.
Variant type: single nucleotide variant.
Coding change: c.340G>A on transcript NM_001111125.3 (MANE Select); coding-DNA position 340, G replaced by A.
Protein change: p.Val114Met; replaces valine 114 with methionine.
Molecular consequence: missense variant.
Genome position (GRCh38, 1-based): chrX:53,320,784, C>T on the plus strand (G>A on the coding strand, the complement: IQSEC2 is on the minus strand). VCF-style: chrX-53320784-C-T. GRCh37 (hg19) VCF-style: chrX-53349982-C-T.
Other names: short protein forms V114M.
Identifiers: ClinVar variation 1031094 (VCV001031094.1), dbSNP rs2075423571, ClinGen allele CA413239563.

ClinVar aggregate classification (germline): Uncertain significance (1 of 4 stars; one submission).

Conditions:
Intellectual developmental disorder, X-linked 1. Also called: Atkin Flaitz Patil Smith syndrome; Intellectual disability, X-linked 1; MENTAL RETARDATION, X-LINKED 18; MENTAL RETARDATION, X-LINKED 78. Identifiers: Orphanet 777, MedGen C2931498, MONDO:0010656, OMIM 309530.

Submission:

Baylor Genetics
Classification: Uncertain significance for Intellectual developmental disorder, X-linked 1. Last evaluated: 2019-09-25. Review status: criteria provided, single submitter. Criteria: ACMG Guidelines, 2015. Collection method: clinical testing. Allele origin: unknown. Affected: yes.
Comment: This variant was determined to be of uncertain significance according to ACMG Guidelines, 2015 [PMID:25741868].